The following is an entry in ClinVar:

ClinVar aggregate classification (germline): Uncertain significance (1 of 4 stars; one submission).

Submission:

Labcorp Genetics (formerly Invitae), Labcorp
Classification: Uncertain significance. Last evaluated: 2025-11-03. Review status: criteria provided, single submitter. Criteria: Invitae Variant Classification Sherloc (09022015). Collection method: clinical testing. Allele origin: germline.
Comment: This sequence change replaces glutamic acid, which is acidic and polar, with lysine, which is basic and polar, at codon 448 of the RELA protein (p.Glu448Lys). This variant is not present in population databases (gnomAD no frequency). This variant has not been reported in the literature in individuals affected with RELA-related conditions. An algorithm developed to predict the effect of missense changes on protein structure and function (PolyPhen-2) suggests that this variant is likely to be disruptive. In summary, the available evidence is currently insufficient to determine the role of this variant in disease. Therefore, it has been classified as a Variant of Uncertain Significance.

NM_021975.4(RELA):c.1342G>A (p.Glu448Lys)

Gene: RELA (RELA proto-oncogene, NF-kB subunit; minus strand). Cytogenetic location: 11q13.1.
Variant type: single nucleotide variant.
Coding change: c.1342G>A on transcript NM_021975.4 (MANE Select); coding-DNA position 1342, G replaced by A.
Protein change: p.Glu448Lys; replaces glutamic acid 448 with lysine.
Molecular consequence: missense variant. On other transcripts: intron variant (1).
Genome position (GRCh38, 1-based): chr11:65,654,692, C>T on the plus strand (G>A on the coding strand, the complement: RELA is on the minus strand). VCF-style: chr11-65654692-C-T. GRCh37 (hg19) VCF-style: chr11-65422163-C-T.
Other names: c.1333G>A, p.Glu445Lys (NM_001145138.2); c.1135G>A, p.Glu379Lys (NM_001243984.2); c.1375G>A, p.Glu459Lys (NM_001404657.1); c.1315G>A, p.Glu439Lys (NM_001404658.1); c.1129G>A, p.Glu377Lys (NM_001404659.1); c.1024G>A, p.Glu342Lys (NM_001404660.1); c.961G>A, p.Glu321Lys (NM_001404661.1); c.1249G>A, p.Glu417Lys (NM_001404662.1, NM_001404663.1); and 1 more; short protein forms E448K, E342K, E377K, E379K, E459K, E417K, E439K, E321K.
Identifiers: ClinVar variation 4730443 (VCV004730443.1).